The following is an entry in ClinVar:

ClinVar aggregate classification (germline): Uncertain significance (1 of 4 stars; one submission).

Conditions:
LAMA2-related muscular dystrophy (LAMA2-RD). Also called: Laminin alpha 2-related dystrophy. Identifiers: MedGen C5679788, MONDO:0100228.

Allele frequency attached by ClinVar (database versions not stated): gnomAD 0.00001 and 0.00002; gnomAD exomes 0.00001 and 0.00002; ExAC 0.00002; TOPMed 0.00002.
gnomAD v4.1: 17 of 1,613,976 alleles (0.0011%); highest among the groups gnomAD compares: African/African-American, 0.0053%; no homozygotes.

Submission:

Labcorp Genetics (formerly Invitae), Labcorp
Classification: Uncertain significance for LAMA2-related muscular dystrophy. Last evaluated: 2021-09-02. Review status: criteria provided, single submitter. Criteria: Invitae Variant Classification Sherloc (09022015). Collection method: clinical testing. Allele origin: germline.
Comment: This sequence change replaces arginine with histidine at codon 1408 of the LAMA2 protein (p.Arg1408His). The arginine residue is weakly conserved and there is a small physicochemical difference between arginine and histidine. This variant is present in population databases (rs751858884, ExAC 0.01%). This variant has not been reported in the literature in individuals affected with LAMA2-related conditions. Advanced modeling of protein sequence and biophysical properties (such as structural, functional, and spatial information, amino acid conservation, physicochemical variation, residue mobility, and thermodynamic stability) performed at Invitae indicates that this missense variant is not expected to disrupt LAMA2 protein function. In summary, the available evidence is currently insufficient to determine the role of this variant in disease. Therefore, it has been classified as a Variant of Uncertain Significance.

NM_000426.4(LAMA2):c.4223G>A (p.Arg1408His)

Gene: LAMA2 (laminin subunit alpha 2; plus strand). Cytogenetic location: 6q22.33.
Variant type: single nucleotide variant.
Coding change: c.4223G>A on transcript NM_000426.4 (MANE Select); coding-DNA position 4223, G replaced by A.
Protein change: p.Arg1408His; replaces arginine 1408 with histidine.
Molecular consequence: missense variant.
Genome position (GRCh38, 1-based): chr6:129,328,324, G>A. VCF-style: chr6-129328324-G-A. GRCh37 (hg19) VCF-style: chr6-129649469-G-A.
Other names: c.4223G>A, p.Arg1408His (NM_001079823.2); short protein forms R1408H.
Identifiers: ClinVar variation 1382610 (VCV001382610.5), dbSNP rs751858884, ClinGen allele CA3993485.